The following is an entry in ClinVar:

ClinVar aggregate classification (germline): Uncertain significance. Review status: criteria provided, multiple submitters, no conflicts (2 of 4 stars). 2 submissions from 2 submitters: Uncertain significance (2). Last evaluated 2025-08-22.

Allele frequency attached by ClinVar (database versions not stated): ExAC 0.00002; TOPMed 0.00004; gnomAD 0.00005; gnomAD exomes 0.00007.

Submissions (2):

Ambry Genetics
Classification: Uncertain significance. Last evaluated: 2025-08-22. Review status: criteria provided, single submitter. Criteria: Ambry Variant Classification Scheme 2023. Collection method: clinical testing. Allele origin: germline.

Labcorp Genetics (formerly Invitae), Labcorp
Classification: Uncertain significance. Last evaluated: 2023-09-26. Review status: criteria provided, single submitter. Criteria: Invitae Variant Classification Sherloc (09022015). Collection method: clinical testing. Allele origin: germline.
Comment: In summary, the available evidence is currently insufficient to determine the role of this variant in disease. Therefore, it has been classified as a Variant of Uncertain Significance. Advanced modeling of protein sequence and biophysical properties (such as structural, functional, and spatial information, amino acid conservation, physicochemical variation, residue mobility, and thermodynamic stability) performed at Invitae indicates that this missense variant is not expected to disrupt APOA4 protein function. ClinVar contains an entry for this variant (Variation ID: 2564631). This variant has not been reported in the literature in individuals affected with APOA4-related conditions. This variant is present in population databases (rs751040950, gnomAD 0.008%). This sequence change replaces serine, which is neutral and polar, with glycine, which is neutral and non-polar, at codon 174 of the APOA4 protein (p.Ser174Gly).

NM_000482.4(APOA4):c.520A>G (p.Ser174Gly)

Gene: APOA4 (apolipoprotein A4; minus strand). Cytogenetic location: 11q23.3.
Variant type: single nucleotide variant.
Coding change: c.520A>G on transcript NM_000482.4 (MANE Select); coding-DNA position 520, A replaced by G.
Protein change: p.Ser174Gly; replaces serine 174 with glycine.
Molecular consequence: missense variant.
Genome position (GRCh38, 1-based): chr11:116,821,538, T>C on the plus strand (A>G on the coding strand, the complement: APOA4 is on the minus strand). VCF-style: chr11-116821538-T-C. GRCh37 (hg19) VCF-style: chr11-116692254-T-C.
Other names: short protein forms S174G.
Identifiers: ClinVar variation 2564631 (VCV002564631.6), dbSNP rs751040950, ClinGen allele CA6289393.